The following is an entry in ClinVar:

ClinVar aggregate classification (germline): Uncertain significance. Review status: criteria provided, multiple submitters, no conflicts (2 of 4 stars). 2 submissions from 2 submitters: Uncertain significance (2). Last evaluated 2025-06-08.

Conditions:
Inborn genetic diseases. Identifiers: MedGen C0950123, MeSH D030342.
Baller-Gerold syndrome (BGS). Also called: CRANIOSYNOSTOSIS WITH RADIAL DEFECTS. Identifiers: Orphanet 1225, MedGen C0265308, MONDO:0009039, OMIM 218600.

Allele frequency attached by ClinVar (database versions not stated): TOPMed 0.00001; ExAC 0.00002; gnomAD 0.00001; gnomAD exomes 0.00001.
gnomAD v4.1: 5 of 1,612,286 alleles (0.00031%); highest among the groups gnomAD compares: South Asian, 0.0033%; no homozygotes.

Submissions (2):

Ambry Genetics
Classification: Uncertain significance for Inborn genetic diseases. Last evaluated: 2025-06-08. Review status: criteria provided, single submitter. Criteria: Ambry Variant Classification Scheme 2023. Collection method: clinical testing. Allele origin: germline.
Comment: The p.S101L variant (also known as c.302C>T), located in coding exon 4 of the RECQL4 gene, results from a C to T substitution at nucleotide position 302. The serine at codon 101 is replaced by leucine, an amino acid with dissimilar properties. This amino acid position is conserved. In addition, this alteration is predicted to be tolerated by in silico analysis. Based on the available evidence, the clinical significance of this variant remains unclear.

Labcorp Genetics (formerly Invitae), Labcorp
Classification: Uncertain significance for Baller-Gerold syndrome. Last evaluated: 2024-01-29. Review status: criteria provided, single submitter. Criteria: Invitae Variant Classification Sherloc (09022015). Collection method: clinical testing. Allele origin: germline.
Comment: This sequence change replaces serine, which is neutral and polar, with leucine, which is neutral and non-polar, at codon 101 of the RECQL4 protein (p.Ser101Leu). The frequency data for this variant in the population databases is considered unreliable, as metrics indicate poor data quality at this position in the gnomAD database. This variant has not been reported in the literature in individuals affected with RECQL4-related conditions. ClinVar contains an entry for this variant (Variation ID: 949482). Advanced modeling of protein sequence and biophysical properties (such as structural, functional, and spatial information, amino acid conservation, physicochemical variation, residue mobility, and thermodynamic stability) performed at Invitae indicates that this missense variant is not expected to disrupt RECQL4 protein function with a negative predictive value of 80%. In summary, the available evidence is currently insufficient to determine the role of this variant in disease. Therefore, it has been classified as a Variant of Uncertain Significance.

NM_004260.4(RECQL4):c.302C>T (p.Ser101Leu)

Gene: RECQL4 (RecQ like helicase 4; minus strand). Cytogenetic location: 8q24.3.
Variant type: single nucleotide variant.
Coding change: c.302C>T on transcript NM_004260.4 (MANE Select); coding-DNA position 302, C replaced by T.
Protein change: p.Ser101Leu; replaces serine 101 with leucine.
Molecular consequence: missense variant.
Genome position (GRCh38, 1-based): chr8:144,517,102, G>A on the plus strand (C>T on the coding strand, the complement: RECQL4 is on the minus strand). VCF-style: chr8-144517102-G-A. GRCh37 (hg19) VCF-style: chr8-145742486-G-A.
Other names: short protein forms S101L.
Identifiers: ClinVar variation 949482 (VCV000949482.7), dbSNP rs62530445, ClinGen allele CA4949388.